The following is an entry in ClinVar:

NC_000005.9:g.(?_112162795)_(112179833_?)dup

Gene: APC (APC regulator of Wnt signaling pathway; plus strand). Cytogenetic location: 5q22.2.
Variant type: Duplication.
Identifiers: ClinVar variation 652967 (VCV000652967.1).

ClinVar aggregate classification (germline): Uncertain significance (1 of 4 stars; one submission).

Conditions:
Familial adenomatous polyposis 1 (FAP1). Also called: POLYPOSIS, ADENOMATOUS INTESTINAL; FAMILIAL ADENOMATOUS POLYPOSIS 1, ATTENUATED. Identifiers: MedGen C2713442, MONDO:0021056, OMIM 175100. Disease mechanism: loss of function.

Submission:

Labcorp Genetics (formerly Invitae), Labcorp
Classification: Uncertain significance for Familial adenomatous polyposis 1. Last evaluated: 2018-08-15. Review status: criteria provided, single submitter. Criteria: Invitae Variant Classification Sherloc (09022015). Collection method: clinical testing. Allele origin: germline.
Comment: This variant is a gross duplication of the genomic region encompassing exons 12-16 of the APC gene. The 5' boundary is likely confined to intron 11. The 3' end of this event is unknown as it extends beyond the assayed region for this gene and therefore may encompass additional genes. This particular duplication has not been previously reported in the literature in individuals with an APC-related disease. In summary, the exact genomic location of this variant is unknown and the impact of this duplication on APC protein function has not been established. Therefore, it has been classified as a Variant of Uncertain Significance.